The following is an entry in ClinVar:

ClinVar aggregate classification (germline): Uncertain significance. Review status: criteria provided, multiple submitters, no conflicts (2 of 4 stars). 2 submissions from 2 submitters: Uncertain significance (2). Last evaluated 2026-01-31.

Conditions:
Hyperphosphatasia with impaired intellectual development syndrome 2. Also called: Hyperphosphatasia with intellectual disability syndrome 2; GLYCOSYLPHOSPHATIDYLINOSITOL BIOSYNTHESIS DEFECT 6. Identifiers: Orphanet 247262, MedGen C3553637, MONDO:0013882, OMIM 614749.

Allele frequency attached by ClinVar (database versions not stated): gnomAD exomes below 0.00001; TOPMed 0.00001.

Submissions (2):

GeneDx
Classification: Uncertain significance. Last evaluated: 2026-01-31. Review status: criteria provided, single submitter. Criteria: GeneDx Variant Classification Process June 2021. Collection method: clinical testing. Allele origin: germline.
Comment: Not observed at significant frequency in large population cohorts (gnomAD); In silico analysis suggests that this missense variant does not alter protein structure/function; Has not been previously published as pathogenic or benign to our knowledge

Labcorp Genetics (formerly Invitae), Labcorp
Classification: Uncertain significance for Hyperphosphatasia with impaired intellectual development syndrome 2. Last evaluated: 2022-08-10. Review status: criteria provided, single submitter. Criteria: Invitae Variant Classification Sherloc (09022015). Collection method: clinical testing. Allele origin: germline.
Comment: This sequence change replaces serine, which is neutral and polar, with phenylalanine, which is neutral and non-polar, at codon 358 of the PIGO protein (p.Ser358Phe). This variant is present in population databases (rs376445701, gnomAD 0.006%). This variant has not been reported in the literature in individuals affected with PIGO-related conditions. ClinVar contains an entry for this variant (Variation ID: 944513). Algorithms developed to predict the effect of missense changes on protein structure and function output the following: SIFT: "Tolerated"; PolyPhen-2: "Benign"; Align-GVGD: "Class C0". The phenylalanine amino acid residue is found in multiple mammalian species, which suggests that this missense change does not adversely affect protein function. In summary, the available evidence is currently insufficient to determine the role of this variant in disease. Therefore, it has been classified as a Variant of Uncertain Significance.

NM_032634.4(PIGO):c.1073C>T (p.Ser358Phe)

Gene: PIGO (phosphatidylinositol glycan anchor biosynthesis class O; minus strand). Cytogenetic location: 9p13.3.
Variant type: single nucleotide variant.
Coding change: c.1073C>T on transcript NM_032634.4 (MANE Select); coding-DNA position 1073, C replaced by T.
Protein change: p.Ser358Phe; replaces serine 358 with phenylalanine.
Molecular consequence: missense variant.
Genome position (GRCh38, 1-based): chr9:35,093,076, G>A on the plus strand (C>T on the coding strand, the complement: PIGO is on the minus strand). VCF-style: chr9-35093076-G-A. GRCh37 (hg19) VCF-style: chr9-35093073-G-A.
Other names: c.1073C>T, p.Ser358Phe (NM_001201484.2, NM_152850.4); short protein forms S358F.
Identifiers: ClinVar variation 944513 (VCV000944513.8), dbSNP rs376445701, ClinGen allele CA192714017.